The following is an entry in ClinVar:

NM_003482.4(KMT2D):c.5477G>C (p.Gly1826Ala)

Gene: KMT2D (lysine methyltransferase 2D; minus strand). Cytogenetic location: 12q13.12.
Variant type: single nucleotide variant.
Coding change: c.5477G>C on transcript NM_003482.4 (MANE Select); coding-DNA position 5477, G replaced by C.
Protein change: p.Gly1826Ala; replaces glycine 1826 with alanine.
Molecular consequence: missense variant.
Genome position (GRCh38, 1-based): chr12:49,043,419, C>G on the plus strand (G>C on the coding strand, the complement: KMT2D is on the minus strand). VCF-style: chr12-49043419-C-G. GRCh37 (hg19) VCF-style: chr12-49437202-C-G.
Other names: short protein forms G1826A.
Identifiers: ClinVar variation 3029738 (VCV003029738.3), dbSNP rs574989512, ClinGen allele CA6547529.

ClinVar aggregate classification (germline): Uncertain significance. Review status: criteria provided, single submitter (1 of 4 stars). 2 submissions from 2 submitters: Uncertain significance (1). 1 of the submissions does not count toward it. Last evaluated 2024-03-07.

Conditions:
Choanal atresia-athelia-hypothyroidism-delayed puberty-short stature syndrome (BCAHH). Also called: BRANCHIAL ARCH ABNORMALITIES, CHOANAL ATRESIA, ATHELIA, HEARING LOSS, AND HYPOTHYROIDISM SYNDROME. Identifiers: Orphanet 589856, MedGen C5680310, MONDO:0035651, OMIM 620186.
Kabuki syndrome 1 (KABUK1). Also called: KMT2D-Related Kabuki Syndrome. Identifiers: Orphanet 2322, MedGen CN030661, MONDO:0007843, OMIM 147920.
KMT2D-related disorder. Also called: KMT2D-Related Disorders.

gnomAD v4.1: 1 of 1,613,922 alleles (0.000062%); highest among the groups gnomAD compares: Non-Finnish European, 0.000085%; no homozygotes.

Submissions (2):

Fulgent Genetics
Classification: Uncertain significance for Kabuki syndrome 1; Choanal atresia-athelia-hypothyroidism-delayed puberty-short stature syndrome. Last evaluated: 2024-03-07. Review status: criteria provided, single submitter. Criteria: ACMG Guidelines, 2015. Collection method: clinical testing. Allele origin: germline.

PreventionGenetics, part of Exact Sciences
Classification: Uncertain significance for KMT2D-related condition. Last evaluated: 2023-12-26. Review status: no assertion criteria provided. Collection method: clinical testing. Allele origin: germline. Not counted in ClinVar's aggregate classification.
Comment: The KMT2D c.5477G>C variant is predicted to result in the amino acid substitution p.Gly1826Ala. To our knowledge, this variant has not been reported in the literature. This variant is reported in 0.00088% of alleles in individuals of European (Non-Finnish) descent in gnomAD. At this time, the clinical significance of this variant is uncertain due to the absence of conclusive functional and genetic evidence.